The following is an entry in ClinVar:

ClinVar aggregate classification (germline): Uncertain significance (1 of 4 stars; one submission).

Conditions:
Hereditary cancer-predisposing syndrome. Also called: Neoplastic Syndromes, Hereditary; Tumor predisposition; Hereditary neoplastic syndrome; Hereditary Cancer Syndrome. Identifiers: Orphanet 140162, MedGen C0027672, MeSH D009386, MONDO:0015356.

Submission:

Ambry Genetics
Classification: Uncertain significance for Hereditary cancer-predisposing syndrome. Last evaluated: 2023-12-15. Review status: criteria provided, single submitter. Criteria: Ambry Variant Classification Scheme 2023. Collection method: clinical testing. Allele origin: germline.
Comment: The p.R2028W variant (also known as c.6082A>T), located in coding exon 44 of the POLE gene, results from an A to T substitution at nucleotide position 6082. The arginine at codon 2028 is replaced by tryptophan, an amino acid with dissimilar properties. This amino acid position is conserved. In addition, this alteration is predicted to be tolerated by in silico analysis. Since supporting evidence is limited at this time, the clinical significance of this alteration remains unclear.

NM_006231.4(POLE):c.6082A>T (p.Arg2028Trp)

Gene: POLE (DNA polymerase epsilon, catalytic subunit; minus strand). Cytogenetic location: 12q24.33.
Variant type: single nucleotide variant.
Coding change: c.6082A>T on transcript NM_006231.4 (MANE Select); coding-DNA position 6082, A replaced by T.
Protein change: p.Arg2028Trp; replaces arginine 2028 with tryptophan.
Molecular consequence: missense variant.
Genome position (GRCh38, 1-based): chr12:132,632,718, T>A on the plus strand (A>T on the coding strand, the complement: POLE is on the minus strand). VCF-style: chr12-132632718-T-A. GRCh37 (hg19) VCF-style: chr12-133209304-T-A.
Other names: short protein forms R2028W.
Identifiers: ClinVar variation 3225497 (VCV003225497.1), dbSNP rs1593708941, ClinGen allele CA387370574.